The following is an entry in ClinVar:

ClinVar aggregate classification (germline): Uncertain significance (1 of 4 stars; one submission).

Submission:

GeneDx
Classification: Uncertain significance. Last evaluated: 2024-12-20. Review status: criteria provided, single submitter. Criteria: GeneDx Variant Classification Process June 2021. Collection method: clinical testing. Allele origin: germline. Affected: yes.
Comment: Not observed at significant frequency in large population cohorts (gnomAD); In silico analysis supports that this missense variant has a deleterious effect on protein structure/function; Has not been previously published as pathogenic or benign to our knowledge

NM_014633.5(CTR9):c.2288G>C (p.Arg763Thr)

Gene: CTR9 (CTR9 homolog, Paf1/RNA polymerase II complex component; plus strand). Cytogenetic location: 11p15.4.
Variant type: single nucleotide variant.
Coding change: c.2288G>C on transcript NM_014633.5 (MANE Select); coding-DNA position 2288, G replaced by C.
Protein change: p.Arg763Thr; replaces arginine 763 with threonine.
Molecular consequence: missense variant.
Genome position (GRCh38, 1-based): chr11:10,770,548, G>C. VCF-style: chr11-10770548-G-C. GRCh37 (hg19) VCF-style: chr11-10792095-G-C.
Other names: c.2288G>C, p.Arg763Thr (NM_001346279.2); short protein forms R763T.
Identifiers: ClinVar variation 3906386 (VCV003906386.1).